The following is an entry in ClinVar:

ClinVar aggregate classification (germline): Uncertain significance. Review status: criteria provided, multiple submitters, no conflicts (2 of 4 stars). 4 submissions from 4 submitters: Uncertain significance (4). Last evaluated 2024-08-31.

Conditions:
Cardiomyopathy, dilated, 2E. Identifiers: MedGen C5561970, MONDO:0030366, OMIM 619492.
Hypertrophic cardiomyopathy 17. Identifiers: MedGen C3151264, MONDO:0013474, OMIM 613873.
Cardiovascular phenotype. Identifiers: MedGen CN230736.
Hypertrophic cardiomyopathy. Also called: HYPERTROPHIC MYOCARDIOPATHY. Identifiers: Orphanet 217569, MedGen C0007194, MeSH D002312, MONDO:0005045, HP:0001639.

Submissions (4):

Ambry Genetics
Classification: Uncertain significance for Cardiovascular phenotype. Last evaluated: 2024-08-31. Review status: criteria provided, single submitter. Criteria: Ambry Variant Classification Scheme 2023. Collection method: clinical testing. Allele origin: germline.
Comment: The p.A659T variant (also known as c.1975G>A), located in coding exon 4 of the JPH2 gene, results from a G to A substitution at nucleotide position 1975. The alanine at codon 659 is replaced by threonine, an amino acid with similar properties. This amino acid position is conserved. In addition, this alteration is predicted to be tolerated by in silico analysis. Based on the available evidence, the clinical significance of this variant remains unclear.

Labcorp Genetics (formerly Invitae), Labcorp
Classification: Uncertain significance for Hypertrophic cardiomyopathy. Last evaluated: 2024-06-10. Review status: criteria provided, single submitter. Criteria: Invitae Variant Classification Sherloc (09022015). Collection method: clinical testing. Allele origin: germline.
Comment: This sequence change replaces alanine, which is neutral and non-polar, with threonine, which is neutral and polar, at codon 659 of the JPH2 protein (p.Ala659Thr). This variant is not present in population databases (gnomAD no frequency). This variant has not been reported in the literature in individuals affected with JPH2-related conditions. ClinVar contains an entry for this variant (Variation ID: 684812). Algorithms developed to predict the effect of missense changes on protein structure and function output the following: SIFT: "Not Available"; PolyPhen-2: "Benign"; Align-GVGD: "Not Available". The threonine amino acid residue is found in multiple mammalian species, which suggests that this missense change does not adversely affect protein function. In summary, the available evidence is currently insufficient to determine the role of this variant in disease. Therefore, it has been classified as a Variant of Uncertain Significance.

Fulgent Genetics
Classification: Uncertain significance for Hypertrophic cardiomyopathy 17; Cardiomyopathy, dilated, 2E. Last evaluated: 2021-11-12. Review status: criteria provided, single submitter. Criteria: ACMG Guidelines, 2015. Collection method: clinical testing. Allele origin: unknown.

Molecular Diagnostic Laboratory for Inherited Cardiovascular Disease, Montreal Heart Institute
Classification: Uncertain significance. Review status: criteria provided, single submitter. Criteria: ACMG Guidelines, 2015. Collection method: clinical testing. Allele origin: germline. Affected: yes.

NM_020433.5(JPH2):c.1975G>A (p.Ala659Thr)

Gene: JPH2 (junctophilin 2; minus strand). Cytogenetic location: 20q13.12.
Variant type: single nucleotide variant.
Coding change: c.1975G>A on transcript NM_020433.5 (MANE Select); coding-DNA position 1975, G replaced by A.
Protein change: p.Ala659Thr; replaces alanine 659 with threonine.
Molecular consequence: missense variant.
Genome position (GRCh38, 1-based): chr20:44,115,700, C>T on the plus strand (G>A on the coding strand, the complement: JPH2 is on the minus strand). VCF-style: chr20-44115700-C-T. GRCh37 (hg19) VCF-style: chr20-42744340-C-T.
Other names: short protein forms A659T.
Identifiers: ClinVar variation 684812 (VCV000684812.7), dbSNP rs1600828677, ClinGen allele CA409099563.